The following is an entry in ClinVar:

NM_001164508.2(NEB):c.24757A>G (p.Ile8253Val)

Genes: NEB (nebulin; minus strand), RIF1 (replication timing regulatory factor 1; plus strand). Cytogenetic location: 2q23.3.
Variant type: single nucleotide variant.
Coding change: c.24757A>G on transcript NM_001164508.2 (MANE Select); coding-DNA position 24757, A replaced by G.
Protein change: p.Ile8253Val; replaces isoleucine 8253 with valine.
Molecular consequence: missense variant.
Genome position (GRCh38, 1-based): chr2:151,493,361, T>C on the plus strand (A>G on the coding strand, the complement: NEB is on the minus strand). VCF-style: chr2-151493361-T-C. GRCh37 (hg19) VCF-style: chr2-152349875-T-C.
Other names: c.24757A>G, p.Ile8253Val (NM_001164507.2); c.24862A>G, p.Ile8288Val (NM_001271208.2); c.19189A>G, p.Ile6397Val (NM_004543.5); short protein forms I6397V, I8288V, I8253V.
Identifiers: ClinVar variation 331407 (VCV000331407.27), dbSNP rs551649582, ClinGen allele CA1905932.

ClinVar aggregate classification (germline): Conflicting classifications of pathogenicity. Review status: criteria provided, conflicting classifications (1 of 4 stars). 5 submissions from 5 submitters: Uncertain significance (3); Likely benign (1). 1 of the submissions does not count toward it. Last evaluated 2026-01-25.

Conditions:
Nemaline myopathy 2 (NEM2). Also called: Nemaline myopathy 2, autosomal recessive. Identifiers: MedGen C1850569, MONDO:0009725, OMIM 256030.

Allele frequency attached by ClinVar (database versions not stated): gnomAD exomes 0.00008 and 0.00024; gnomAD 0.00011 and 0.00017; TOPMed 0.00014; ExAC 0.00024; 1000 Genomes Project 30x 0.00078; 1000 Genomes Project 0.00080.
gnomAD v4.1: 144 of 1,609,910 alleles (0.0089%); highest among the groups gnomAD compares: East Asian, 0.3%; no homozygotes.

Submissions (5):

Labcorp Genetics (formerly Invitae), Labcorp
Classification: Likely benign for Nemaline myopathy 2. Last evaluated: 2026-01-25. Review status: criteria provided, single submitter. Criteria: Invitae Variant Classification Sherloc (09022015). Collection method: clinical testing. Allele origin: germline.

CeGaT Center for Human Genetics Tuebingen
Classification: Uncertain significance. Last evaluated: 2025-03-01. Review status: criteria provided, single submitter. Criteria: CeGaT Center For Human Genetics Tuebingen Variant Classification Criteria Version 2. Collection method: clinical testing. Allele origin: germline. Affected: yes. Observed: 1 variant allele.
Comment: NEB: PM2

Revvity Omics, Revvity
Classification: Uncertain significance. Last evaluated: 2019-07-02. Review status: criteria provided, single submitter. Criteria: ACMG Guidelines, 2015. Collection method: clinical testing. Allele origin: germline.

Illumina Laboratory Services, Illumina
Classification: Uncertain significance for Nemaline myopathy 2. Last evaluated: 2018-01-13. Review status: criteria provided, single submitter. Criteria: ICSL Variant Classification Criteria 13 December 2019. Collection method: clinical testing. Allele origin: germline.

Natera, Inc.
Classification: Uncertain significance for Nemaline myopathy type 2. Last evaluated: 2020-01-17. Review status: no assertion criteria provided. Collection method: clinical testing. Allele origin: germline. Not counted in ClinVar's aggregate classification.